The following is an entry in ClinVar:

NM_004006.3(DMD):c.4580G>C (p.Arg1527Pro)

Gene: DMD (dystrophin; minus strand). Cytogenetic location: Xp21.1.
Variant type: single nucleotide variant.
Coding change: c.4580G>C on transcript NM_004006.3 (MANE Select); coding-DNA position 4580, G replaced by C.
Protein change: p.Arg1527Pro; replaces arginine 1527 with proline.
Molecular consequence: missense variant.
Genome position (GRCh38, 1-based): chrX:32,386,404, C>G on the plus strand (G>C on the coding strand, the complement: DMD is on the minus strand). VCF-style: chrX-32386404-C-G. GRCh37 (hg19) VCF-style: chrX-32404521-C-G.
Other names: c.4556G>C, p.Arg1519Pro (NM_000109.4); c.4568G>C, p.Arg1523Pro (NM_004009.3); c.4211G>C, p.Arg1404Pro (NM_004010.3); c.557G>C, p.Arg186Pro (NM_004011.4); c.548G>C, p.Arg183Pro (NM_004012.4); short protein forms R1404P, R1519P, R1523P, R1527P, R183P, R186P.
Identifiers: ClinVar variation 4531313 (VCV004531313.1).

ClinVar aggregate classification (germline): Uncertain significance (1 of 4 stars; one submission).

Conditions:
Dilated cardiomyopathy 3B (CMD3B). Also called: CMD3B: DMD-Related Dilated Cardiomyopathy; CARDIOMYOPATHY, DILATED, X-LINKED; DMD-Associated Dilated Cardiomyopathy. Identifiers: Orphanet 154, MedGen C3668940, MONDO:0010542, OMIM 302045.

Submission:

Victorian Clinical Genetics Services, Murdoch Childrens Research Institute
Classification: Uncertain significance for Dilated cardiomyopathy 3B. Last evaluated: 2025-08-17. Review status: criteria provided, single submitter. Criteria: ACMG Guidelines, 2015. Collection method: clinical testing. Allele origin: germline. Affected: yes.
Comment: This variant is classified as VUS-3B. Evidence in support of pathogenic classification: Variant is absent from gnomAD (v2, v3 and v4); Missense variant predicted to be damaging by in silico tool(s) or highly conserved with a major amino acid change. Additional information: Variant is predicted to result in a missense amino acid change from Arg to Pro; This variant is heterozygous; This gene is associated with X-linked disease; Alternative amino acid change(s) at the same position are present in gnomAD (Highest allele count: v4: 1 heterozygote(s), 0 homozygote(s), 0 hemizygote(s)); This variant has no previous evidence of pathogenicity; No published evidence of segregation with disease has been identified for this variant; No published functional evidence has been identified for this variant; Another missense variant(s) comparable to the one identified in this case has inconclusive previous evidence for pathogenicity. p.(Arg1527His) has been classified as a VUS by a clinical laboratory in ClinVar; Variant is not located in an established domain, motif, hotspot or informative constraint region; Loss of function is a known mechanism of disease in this gene and is associated with progressive muscular dystrophy (MONDO:0016106), DMD-related; Inheritance information for this variant is not currently available in this individual.